The following is an entry in ClinVar:

NM_144643.4(SCLT1):c.380A>G (p.Asp127Gly)

Gene: SCLT1 (sodium channel and clathrin linker 1; minus strand). Cytogenetic location: 4q28.2.
Variant type: single nucleotide variant.
Coding change: c.380A>G on transcript NM_144643.4 (MANE Select); coding-DNA position 380, A replaced by G.
Protein change: p.Asp127Gly; replaces aspartic acid 127 with glycine.
Molecular consequence: missense variant.
Genome position (GRCh38, 1-based): chr4:129,003,787, T>C on the plus strand (A>G on the coding strand, the complement: SCLT1 is on the minus strand). VCF-style: chr4-129003787-T-C. GRCh37 (hg19) VCF-style: chr4-129924942-T-C.
Other names: short protein forms D127G.
Identifiers: ClinVar variation 1461911 (VCV001461911.8), dbSNP rs145700085, ClinGen allele CA3079970.

ClinVar aggregate classification (germline): Uncertain significance (1 of 4 stars; one submission).

Allele frequency attached by ClinVar (database versions not stated): gnomAD exomes below 0.00001; ExAC 0.00001; TOPMed 0.00001; ESP Exome Variant Server 0.00008.
gnomAD v4.1: 4 of 1,611,728 alleles (0.00025%); highest among the groups gnomAD compares: Non-Finnish European, 0.00034%; no homozygotes.

Submission:

Labcorp Genetics (formerly Invitae), Labcorp
Classification: Uncertain significance. Last evaluated: 2020-11-11. Review status: criteria provided, single submitter. Criteria: Invitae Variant Classification Sherloc (09022015). Collection method: clinical testing. Allele origin: germline.
Comment: Algorithms developed to predict the effect of sequence changes on RNA splicing suggest that this variant may create or strengthen a splice site, but this prediction has not been confirmed by published transcriptional studies. In summary, the available evidence is currently insufficient to determine the role of this variant in disease. Therefore, it has been classified as a Variant of Uncertain Significance. This sequence change replaces aspartic acid with glycine at codon 127 of the SCLT1 protein (p.Asp127Gly). The aspartic acid residue is moderately conserved and there is a moderate physicochemical difference between aspartic acid and glycine. This variant is present in population databases (rs145700085, ExAC 0.01%). This variant has not been reported in the literature in individuals with SCLT1-related conditions. Algorithms developed to predict the effect of missense changes on protein structure and function (SIFT, PolyPhen-2, Align-GVGD) all suggest that this variant is likely to be tolerated, but these predictions have not been confirmed by published functional studies and their clinical significance is uncertain.